The following is an entry in ClinVar:

ClinVar aggregate classification (germline): Uncertain significance. Review status: criteria provided, multiple submitters, no conflicts (2 of 4 stars). 2 submissions from 2 submitters: Uncertain significance (2). Last evaluated 2025-08-22.

Conditions:
Primary ciliary dyskinesia. Also called: Ciliary dyskinesia. Identifiers: Orphanet 244, MedGen C0008780, MONDO:0016575, HP:0012265.

Allele frequency attached by ClinVar (database versions not stated): gnomAD exomes below 0.00001.
gnomAD v4.1: 1 of 1,609,780 alleles (0.000062%); highest among the groups gnomAD compares: Non-Finnish European, 0.000085%; no homozygotes.

Submissions (2):

Ambry Genetics
Classification: Uncertain significance for Primary ciliary dyskinesia. Last evaluated: 2025-08-22. Review status: criteria provided, single submitter. Criteria: Ambry Variant Classification Scheme 2023. Collection method: clinical testing. Allele origin: germline.

Labcorp Genetics (formerly Invitae), Labcorp
Classification: Uncertain significance for Primary ciliary dyskinesia. Last evaluated: 2022-06-04. Review status: criteria provided, single submitter. Criteria: Invitae Variant Classification Sherloc (09022015). Collection method: clinical testing. Allele origin: germline.
Comment: This sequence change replaces tyrosine, which is neutral and polar, with phenylalanine, which is neutral and non-polar, at codon 1279 of the DNAH11 protein (p.Tyr1279Phe). This variant is not present in population databases (gnomAD no frequency). This variant has not been reported in the literature in individuals affected with DNAH11-related conditions. ClinVar contains an entry for this variant (Variation ID: 862406). Advanced modeling of protein sequence and biophysical properties (such as structural, functional, and spatial information, amino acid conservation, physicochemical variation, residue mobility, and thermodynamic stability) performed at Invitae indicates that this missense variant is not expected to disrupt DNAH11 protein function. In summary, the available evidence is currently insufficient to determine the role of this variant in disease. Therefore, it has been classified as a Variant of Uncertain Significance.

NM_001277115.2(DNAH11):c.3836A>T (p.Tyr1279Phe)

Gene: DNAH11 (dynein axonemal heavy chain 11; plus strand). Cytogenetic location: 7p15.3.
Variant type: single nucleotide variant.
Coding change: c.3836A>T on transcript NM_001277115.2 (MANE Select); coding-DNA position 3836, A replaced by T.
Protein change: p.Tyr1279Phe; replaces tyrosine 1279 with phenylalanine.
Molecular consequence: missense variant.
Genome position (GRCh38, 1-based): chr7:21,606,717, A>T. VCF-style: chr7-21606717-A-T. GRCh37 (hg19) VCF-style: chr7-21646335-A-T.
Other names: short protein forms Y1279F.
Identifiers: ClinVar variation 862406 (VCV000862406.8), dbSNP rs1785301833, ClinGen allele CA366948733.